The following is an entry in ClinVar:

NM_001844.5(COL2A1):c.1079_1085del (p.Gly360fs)

Gene: COL2A1 (collagen type II alpha 1 chain; minus strand). Cytogenetic location: 12q13.11.
Variant type: Deletion.
Coding change: c.1079_1085del on transcript NM_001844.5 (MANE Select); coding-DNA positions 1079 to 1085, 7 bases deleted (GTCCTGC; older notation c.1079_1085delGTCCTGC).
Protein change: p.Gly360fs; shifts the reading frame from glycine 360.
Molecular consequence: frameshift variant.
Genome position (GRCh38, 1-based): chr12:47,989,265-47,989,271, GCAGGAC deleted on the plus strand (GTCCTGC on the coding strand, the reverse complement: COL2A1 is on the minus strand). VCF-style (leftmost placement, unchanged base first): chr12-47989264-AGCAGGAC-A. GRCh37 (hg19) VCF-style: chr12-48383047-AGCAGGAC-A.
Other names: c.872_878del, p.Gly291fs (NM_033150.3); short protein forms G291fs, G360fs.
Identifiers: ClinVar variation 3663115 (VCV003663115.2).

ClinVar aggregate classification (germline): Pathogenic (1 of 4 stars; one submission).

Submission:

Labcorp Genetics (formerly Invitae), Labcorp
Classification: Pathogenic. Last evaluated: 2024-08-21. Review status: criteria provided, single submitter. Criteria: Invitae Variant Classification Sherloc (09022015). Collection method: clinical testing. Allele origin: germline.
Comment: This sequence change creates a premature translational stop signal (p.Gly360Valfs*267) in the COL2A1 gene. It is expected to result in an absent or disrupted protein product. Loss-of-function variants in COL2A1 are known to be pathogenic (PMID: 20179744). This variant is not present in population databases (gnomAD no frequency). This variant has not been reported in the literature in individuals affected with COL2A1-related conditions. For these reasons, this variant has been classified as Pathogenic.

Literature cited by the submitters: PubMed 20179744.